The following is an entry in ClinVar:

ClinVar aggregate classification (germline): Uncertain significance (1 of 4 stars; one submission).

Conditions:
Inborn genetic diseases. Identifiers: MedGen C0950123, MeSH D030342.

gnomAD v4.1: 7 of 1,614,048 alleles (0.00043%); highest among the groups gnomAD compares: Middle Eastern, 0.016%; no homozygotes.

Submission:

Ambry Genetics
Classification: Uncertain significance for Inborn genetic diseases. Last evaluated: 2024-12-26. Review status: criteria provided, single submitter. Criteria: Ambry Variant Classification Scheme 2023. Collection method: clinical testing. Allele origin: germline.
Comment: The p.T381M variant (also known as c.1142C>T), located in coding exon 13 of the FANCA gene, results from a C to T substitution at nucleotide position 1142. The threonine at codon 381 is replaced by methionine, an amino acid with similar properties. This amino acid position is conserved. In addition, the in silico prediction for this alteration is inconclusive. Based on the available evidence, the clinical significance of this variant remains unclear.

NM_000135.4(FANCA):c.1142C>T (p.Thr381Met)

Gene: FANCA (FA complementation group A; minus strand). Cytogenetic location: 16q24.3.
Variant type: single nucleotide variant.
Coding change: c.1142C>T on transcript NM_000135.4 (MANE Select); coding-DNA position 1142, C replaced by T.
Protein change: p.Thr381Met; replaces threonine 381 with methionine.
Molecular consequence: missense variant.
Genome position (GRCh38, 1-based): chr16:89,792,010, G>A on the plus strand (C>T on the coding strand, the complement: FANCA is on the minus strand). VCF-style: chr16-89792010-G-A. GRCh37 (hg19) VCF-style: chr16-89858418-G-A.
Other names: c.1142C>T, p.Thr381Met (NM_001286167.3); short protein forms T381M.
Identifiers: ClinVar variation 3848061 (VCV003848061.1).
Genomic context (GRCh38, chr16:89,792,010, plus strand): 5'-GGAAAGCAGACAACCAGGGCAGACACAAAGGAGAGCACTCTCTGCCAGTGAACCTCCTGC[G>A]TTTCCAGAACTTCTTGCAAATGGCCAACCAACTCCTCTGCACTCAGCATCACAAAGAGCT-3'
Protein context (NP_000126.2, residues 371-391): LVGHLQEVLE[Thr381Met]QEVHWQRVLS